The following is an entry in ClinVar:

NM_000051.4(ATM):c.2125-2_2128del

Gene: ATM (ATM serine/threonine kinase; plus strand). Cytogenetic location: 11q22.3.
Variant type: Deletion.
Coding change: c.2125-2_2128del on transcript NM_000051.4 (MANE Select); the canonical splice acceptor site of the intron before coding-DNA position 2125 through coding-DNA position 2128, 6 bases deleted (AGATTA; older notation c.2125-2_2128delAGATTA).
Molecular consequence: splice acceptor variant.
Genome position (GRCh38, 1-based): chr11:108,256,213-108,256,218, AGATTA deleted; deleting any 6 consecutive bases within chr11:108,256,210-108,256,218 gives the same sequence; the c. name uses the placement nearest the transcript's 3' end. VCF-style (leftmost placement, unchanged base first): chr11-108256209-TTTAAGA-T. GRCh37 (hg19) VCF-style: chr11-108126936-TTTAAGA-T.
Other names: c.2125-2_2128delAGATTA (NM_000051.3); c.2125-2_2128del (NM_001351834.2).
Identifiers: ClinVar variation 1347065 (VCV001347065.7), dbSNP rs2135391894, ClinGen allele CA2573146396.

ClinVar aggregate classification (germline): Likely pathogenic. Review status: criteria provided, multiple submitters, no conflicts (2 of 4 stars). 2 submissions from 2 submitters: Likely pathogenic (2). Last evaluated 2025-05-20.

Conditions:
Ataxia-telangiectasia syndrome (AT). Also called: Ataxia-telangiectasia, complementation group D; ATAXIA-TELANGIECTASIA, COMPLEMENTATION GROUP A; ATAXIA-TELANGIECTASIA, FRESNO VARIANT; Ataxia-telangiectasia, complementation group E; Cerebello-oculocutaneous telangiectasia; Immunodeficiency with ataxia telangiectasia. Identifiers: Orphanet 100, MedGen C0004135, MONDO:0008840, OMIM 208900.
Hereditary cancer-predisposing syndrome. Also called: Hereditary Cancer Syndrome; Neoplastic Syndromes, Hereditary; Tumor predisposition; Hereditary neoplastic syndrome. Identifiers: Orphanet 140162, MedGen C0027672, MeSH D009386, MONDO:0015356.

Submissions (2):

Ambry Genetics
Classification: Likely pathogenic for Hereditary cancer-predisposing syndrome. Last evaluated: 2025-05-20. Review status: criteria provided, single submitter. Criteria: Ambry Variant Classification Scheme 2023. Collection method: clinical testing. Allele origin: germline.
Comment: The c.2125-2_2128delAGATTA intronic variant begins 2 nucleotides before coding exon 13 in the ATM gene. This variant results from a deletion of 6 nucleotides at positions c.2125-2 to c.2128. In silico splice site analysis predicts that this alteration will weaken the native splice acceptor site and will result in the creation or strengthening of a novel splice acceptor site. RNA studies have demonstrated that this alteration results in abnormal splicing in the set of samples tested (Ambry internal data). Based on the majority of available evidence to date, this variant is likely to be pathogenic.

Labcorp Genetics (formerly Invitae), Labcorp
Classification: Likely pathogenic for Ataxia-telangiectasia syndrome. Last evaluated: 2021-03-19. Review status: criteria provided, single submitter. Criteria: Invitae Variant Classification Sherloc (09022015). Collection method: clinical testing. Allele origin: germline.
Comment: In summary, the currently available evidence indicates that the variant is pathogenic, but additional data are needed to prove that conclusively. Therefore, this variant has been classified as Likely Pathogenic. Algorithms developed to predict the effect of sequence changes on RNA splicing suggest that this variant may disrupt the consensus splice site, but this prediction has not been confirmed by published transcriptional studies. This variant has not been reported in the literature in individuals with ATM-related conditions. This variant is not present in population databases (ExAC no frequency). This sequence change affects an acceptor splice site in intron 13 of the ATM gene. It is expected to disrupt RNA splicing. Variants that disrupt the donor or acceptor splice site typically lead to a loss of protein function (PMID: 16199547), and loss-of-function variants in ATM are known to be pathogenic (PMID: 23807571, 25614872).

Literature cited by the submitters: PubMed 16199547 (cited by Labcorp Genetics (formerly Invitae), Labcorp); PubMed 23807571 (cited by Labcorp Genetics (formerly Invitae), Labcorp); PubMed 25614872 (cited by Labcorp Genetics (formerly Invitae), Labcorp).